The following is an entry in ClinVar:

ClinVar aggregate classification (germline): Pathogenic (1 of 4 stars; one submission).

Conditions:
Gorlin syndrome. Also called: Nevoid Basal Cell Carcinoma Syndrome; Basal cell nevus syndrome. Identifiers: Orphanet 377, MedGen C0004779, MONDO:0007187.

Submission:

Labcorp Genetics (formerly Invitae), Labcorp
Classification: Pathogenic for Gorlin syndrome. Last evaluated: 2021-06-28. Review status: criteria provided, single submitter. Criteria: Invitae Variant Classification Sherloc (09022015). Collection method: clinical testing. Allele origin: germline.
Comment: For these reasons, this variant has been classified as Pathogenic. This variant is a gross deletion of the genomic region encompassing exon(s) 1-11 of the PTCH1 gene, which includes the initiator codon. The 5' end of this event is unknown as it extends beyond the assayed region for this gene and therefore may encompass additional genes. The 3' boundary is likely confined to intron 11 of the PTCH1 gene. It is expected to result in an absent or disrupted protein product. Loss-of-function variants in PTCH1 are known to be pathogenic (PMID: 16301862, 16419085). This variant has not been reported in the literature in individuals with PTCH1-related conditions.

Literature cited by the submitters: PubMed 16301862; PubMed 16419085.

NC_000009.11:g.(?_98239031)_(98279100_?)del

Gene: PTCH1 (patched 1; minus strand). Cytogenetic location: 9q22.32.
Variant type: Deletion.
Identifiers: ClinVar variation 1460131 (VCV001460131.7).